The following is an entry in ClinVar:

ClinVar aggregate classification (germline): Uncertain significance (1 of 4 stars; one submission).

Conditions:
Hereditary cancer-predisposing syndrome. Also called: Neoplastic Syndromes, Hereditary; Tumor predisposition; Hereditary Cancer Syndrome; Hereditary neoplastic syndrome. Identifiers: Orphanet 140162, MedGen C0027672, MeSH D009386, MONDO:0015356.

Submission:

Ambry Genetics
Classification: Uncertain significance for Hereditary cancer-predisposing syndrome. Last evaluated: 2025-11-08. Review status: criteria provided, single submitter. Criteria: Ambry Variant Classification Scheme 2023. Collection method: clinical testing. Allele origin: germline.
Comment: The p.A354T variant (also known as c.1060G>A), located in coding exon 8 of the POLD1 gene, results from a G to A substitution at nucleotide position 1060. The alanine at codon 354 is replaced by threonine, an amino acid with similar properties. This amino acid position is conserved. In addition, this alteration is predicted to be tolerated by in silico analysis. Based on the available evidence, the clinical significance of this variant remains unclear.

NM_002691.4(POLD1):c.1060G>A (p.Ala354Thr)

Gene: POLD1 (DNA polymerase delta 1, catalytic subunit; plus strand). Cytogenetic location: 19q13.33.
Variant type: single nucleotide variant.
Coding change: c.1060G>A on transcript NM_002691.4 (MANE Select); coding-DNA position 1060, G replaced by A.
Protein change: p.Ala354Thr; replaces alanine 354 with threonine.
Molecular consequence: missense variant. On other transcripts: non-coding transcript variant (1).
Genome position (GRCh38, 1-based): chr19:50,403,142, G>A. VCF-style: chr19-50403142-G-A. GRCh37 (hg19) VCF-style: chr19-50906399-G-A.
Other names: c.1060G>A, p.Ala354Thr (NM_001256849.1, NM_001308632.1, NM_001438210.1 and 3 more transcripts); short protein forms A354T.
Identifiers: ClinVar variation 4668510 (VCV004668510.1).
Genomic context (GRCh38, chr19:50,403,142, plus strand): 5'-GTCATCCAGATCTGCTCGCTGGGCCTGCGCTGGGGGGAGCCGGAGCCCTTCCTACGCCTG[G>A]CGCTCACCCTGCGGCCCTGTGCCCCCATCCTGGGTGCCAAGGTGCAGAGCTACGAGAAGG-3'
Protein context (NP_002682.2, residues 344-364): WGEPEPFLRL[Ala354Thr]LTLRPCAPIL